The following is an entry in ClinVar:

ClinVar aggregate classification (germline): Likely benign (1 of 4 stars; one submission).

Allele frequency attached by ClinVar (database versions not stated): gnomAD 0.00006; TOPMed 0.00007; 1000 Genomes Project 30x 0.00031.
gnomAD v4.1: 41 of 438,396 alleles (0.0094%); highest among the groups gnomAD compares: Non-Finnish European, 0.012%; no homozygotes.

Submission:

CeGaT Center for Human Genetics Tuebingen
Classification: Likely benign. Last evaluated: 2025-08-01. Review status: criteria provided, single submitter. Criteria: CeGaT Center For Human Genetics Tuebingen Variant Classification Criteria Version 2. Collection method: clinical testing. Allele origin: germline. Affected: yes. Observed: 2 variant alleles.
Comment: KCNN2: BS2

NM_021614.4(KCNN2):c.329C>T (p.Ser110Leu)

Gene: KCNN2 (potassium calcium-activated channel subfamily N member 2; plus strand). Cytogenetic location: 5q22.3.
Variant type: single nucleotide variant.
Coding change: c.329C>T on transcript NM_021614.4 (MANE Select); coding-DNA position 329, C replaced by T.
Protein change: p.Ser110Leu; replaces serine 110 with leucine.
Molecular consequence: missense variant. On other transcripts: non-coding transcript variant (1).
Genome position (GRCh38, 1-based): chr5:114,362,468, C>T. VCF-style: chr5-114362468-C-T. GRCh37 (hg19) VCF-style: chr5-113698165-C-T.
Other names: c.527C>T, p.Ser176Leu (NM_001372233.1); short protein forms S110L, S176L.
Identifiers: ClinVar variation 2655642 (VCV002655642.24), dbSNP rs1030491898, ClinGen allele CA125659880.